The following is an entry in ClinVar:

NM_001039141.3(TRIOBP):c.1600G>A (p.Asp534Asn)

Gene: TRIOBP (TRIO and F-actin binding protein; plus strand). Cytogenetic location: 22q13.1.
Variant type: single nucleotide variant.
Coding change: c.1600G>A on transcript NM_001039141.3 (MANE Select); coding-DNA position 1600, G replaced by A.
Protein change: p.Asp534Asn; replaces aspartic acid 534 with asparagine.
Molecular consequence: missense variant.
Genome position (GRCh38, 1-based): chr22:37,724,156, G>A. VCF-style: chr22-37724156-G-A. GRCh37 (hg19) VCF-style: chr22-38120163-G-A.
Other names: short protein forms D534N.
Identifiers: ClinVar variation 4767271 (VCV004767271.1).
Genomic context (GRCh38, chr22:37,724,156, plus strand): 5'-AGAACCTCCTCTCCCAATAGAGCCACACGAGACAACCCCAGAACATCCTGCGCCCAGCGG[G>A]ACAATCCCAGAGCCTCCTCTCCCAATAGAGCTGCACGAGACAACCCCACAACATCCTGTG-3'
Protein context (NP_001034230.1, residues 524-544): DNPRTSCAQR[Asp534Asn]NPRASSPNRA

ClinVar aggregate classification (germline): Uncertain significance (1 of 4 stars; one submission).

Submission:

Labcorp Genetics (formerly Invitae), Labcorp
Classification: Uncertain significance. Last evaluated: 2025-05-13. Review status: criteria provided, single submitter. Criteria: Invitae Variant Classification Sherloc (09022015). Collection method: clinical testing. Allele origin: germline.
Comment: This sequence change replaces aspartic acid, which is acidic and polar, with asparagine, which is neutral and polar, at codon 534 of the TRIOBP protein (p.Asp534Asn). This variant is not present in population databases (gnomAD no frequency). This variant has not been reported in the literature in individuals affected with TRIOBP-related conditions. An algorithm developed to predict the effect of missense changes on protein structure and function outputs the following: PolyPhen-2: "Possibly Damaging". The asparagine amino acid residue is found in multiple mammalian species, which suggests that this missense change does not adversely affect protein function. In summary, the available evidence is currently insufficient to determine the role of this variant in disease. Therefore, it has been classified as a Variant of Uncertain Significance.